The following is an entry in ClinVar:

ClinVar aggregate classification (germline): Uncertain significance (1 of 4 stars; one submission).

Conditions:
Hereditary cancer-predisposing syndrome. Also called: Neoplastic Syndromes, Hereditary; Tumor predisposition; Hereditary Cancer Syndrome; Hereditary neoplastic syndrome. Identifiers: Orphanet 140162, MedGen C0027672, MeSH D009386, MONDO:0015356.

Submission:

Ambry Genetics
Classification: Uncertain significance for Hereditary cancer-predisposing syndrome. Last evaluated: 2021-06-10. Review status: criteria provided, single submitter. Criteria: Ambry Variant Classification Scheme 2023. Collection method: clinical testing. Allele origin: germline.
Comment: The p.P241S variant (also known as c.721C>T), located in coding exon 7 of the PMS2 gene, results from a C to T substitution at nucleotide position 721. The proline at codon 241 is replaced by serine, an amino acid with similar properties. This amino acid position is highly conserved in available vertebrate species. In addition, the in silico prediction for this alteration is inconclusive. Since supporting evidence is limited at this time, the clinical significance of this alteration remains unclear.

NM_000535.7(PMS2):c.721C>T (p.Pro241Ser)

Gene: PMS2 (PMS1 homolog 2, mismatch repair system component; minus strand). Cytogenetic location: 7p22.1.
Variant type: single nucleotide variant.
Coding change: c.721C>T on transcript NM_000535.7 (MANE Select); coding-DNA position 721, C replaced by T.
Protein change: p.Pro241Ser; replaces proline 241 with serine.
Molecular consequence: missense variant. On other transcripts: 5 prime UTR variant (2), non-coding transcript variant (1).
Genome position (GRCh38, 1-based): chr7:5,997,408, G>A on the plus strand (C>T on the coding strand, the complement: PMS2 is on the minus strand). VCF-style: chr7-5997408-G-A. GRCh37 (hg19) VCF-style: chr7-6037039-G-A.
Other names: c.316C>T, p.Pro106Ser (NM_001018040.1, NM_001322003.2, NM_001322004.2 and 20 more transcripts); c.721C>T, p.Pro241Ser (NM_001322006.2, NM_001322014.2, NM_001406870.1 and 3 more transcripts); c.403C>T, p.Pro135Ser (NM_001322007.2, NM_001322008.2, NM_001406876.1 and 4 more transcripts); c.-213C>T (NM_001322011.2, NM_001322012.2); c.148C>T, p.Pro50Ser (NM_001322013.2, NM_001406909.1); c.412C>T, p.Pro138Ser (NM_001322015.2, NM_001406875.1, NM_001406877.1 and 6 more transcripts); c.907C>T, p.Pro303Ser (NM_001406866.1); c.745C>T, p.Pro249Ser (NM_001406868.1); and 4 more; short protein forms P138S, P249S, P70S, P50S, P106S, P135S, P205S, P303S.
Identifiers: ClinVar variation 1757758 (VCV001757758.2), dbSNP rs779411667, ClinGen allele CA366743768.